The following is an entry in ClinVar:

NM_001134363.3(RBM20):c.1356A>T (p.Ile452=)

Gene: RBM20 (RNA binding motif protein 20; plus strand). Cytogenetic location: 10q25.2.
Variant type: single nucleotide variant.
Coding change: c.1356A>T on transcript NM_001134363.3 (MANE Select); coding-DNA position 1356, A replaced by T.
Protein change: p.Ile452=; no amino-acid change (isoleucine 452 retained).
Molecular consequence: synonymous variant.
Genome position (GRCh38, 1-based): chr10:110,784,359, A>T. VCF-style: chr10-110784359-A-T. GRCh37 (hg19) VCF-style: chr10-112544117-A-T.
Other names: c.1356A>T (LRG_382t1).
Identifiers: ClinVar variation 298795 (VCV000298795.16), dbSNP rs745544964, ClinGen allele CA5688591.
Genomic context (GRCh38, chr10:110,784,359, plus strand): 5'-TAACTTATTAAGGAGCCGGTTTCCCTTTCTCGCCCTCTCCAGTGCTGGCATCCGGTGTAT[A>T]CTTGGTTCGGCAGAGGGAACATTGTGTGCTTCTCCCAACAGCACAGCTGTTTATAACCCT-3'
Protein context (NP_001127835.2, residues 442-462): VFSENAGIRC[Ile452=]LGSAEGTLCA

ClinVar aggregate classification (germline): Conflicting classifications of pathogenicity. Review status: criteria provided, conflicting classifications (1 of 4 stars). 4 submissions from 4 submitters: Uncertain significance (1); Likely benign (3). Last evaluated 2025-02-05.

Conditions:
Dilated cardiomyopathy 1DD (CMD1DD). Identifiers: Orphanet 154, MedGen C2750995, MONDO:0013168, OMIM 613172.
Cardiovascular phenotype. Identifiers: MedGen CN230736.

Allele frequency attached by ClinVar (database versions not stated): gnomAD below 0.00001 and 0.00001; TOPMed below 0.00001; gnomAD exomes 0.00002 and 0.00003; ExAC 0.00010; 1000 Genomes Project 30x 0.00016.
gnomAD v4.1: 37 of 1,551,038 alleles (0.0024%); highest among the groups gnomAD compares: South Asian, 0.042%; 2 homozygotes.

Submissions (4):

Labcorp Genetics (formerly Invitae), Labcorp
Classification: Likely benign for Dilated cardiomyopathy 1DD. Last evaluated: 2025-02-05. Review status: criteria provided, single submitter. Criteria: Invitae Variant Classification Sherloc (09022015). Collection method: clinical testing. Allele origin: germline.

Ambry Genetics
Classification: Likely benign for Cardiovascular phenotype. Last evaluated: 2024-05-02. Review status: criteria provided, single submitter. Criteria: Ambry Variant Classification Scheme 2023. Collection method: clinical testing. Allele origin: germline.

Illumina Laboratory Services, Illumina
Classification: Uncertain significance for Dilated cardiomyopathy 1DD. Last evaluated: 2018-01-12. Review status: criteria provided, single submitter. Criteria: ICSL Variant Classification Criteria 13 December 2019. Collection method: clinical testing. Allele origin: germline.

GeneDx
Classification: Likely benign. Last evaluated: 2015-12-16. Review status: criteria provided, single submitter. Criteria: GeneDx Variant Classification (06012015). Collection method: clinical testing. Allele origin: germline. Affected: yes.
Comment: This variant is considered likely benign or benign based on one or more of the following criteria: it is a conservative change, it occurs at a poorly conserved position in the protein, it is predicted to be benign by multiple in silico algorithms, and/or has population frequency not consistent with disease.